The following is an entry in ClinVar:

NM_001903.5(CTNNA1):c.1486C>T (p.Arg496Cys)

Gene: CTNNA1 (catenin alpha 1; plus strand). Cytogenetic location: 5q31.2.
Variant type: single nucleotide variant.
Coding change: c.1486C>T on transcript NM_001903.5 (MANE Select); coding-DNA position 1486, C replaced by T.
Protein change: p.Arg496Cys; replaces arginine 496 with cysteine.
Molecular consequence: missense variant.
Genome position (GRCh38, 1-based): chr5:138,917,838, C>T. VCF-style: chr5-138917838-C-T. GRCh37 (hg19) VCF-style: chr5-138253527-C-T.
Other names: c.1486C>T, p.Arg496Cys (NM_001290307.3, NM_001323982.2, NM_001323983.1 and 2 more transcripts); c.1177C>T, p.Arg393Cys (NM_001290309.3); c.1117C>T, p.Arg373Cys (NM_001290310.3); c.376C>T, p.Arg126Cys (NM_001290312.1, NM_001323987.1, NM_001323988.1 and 17 more transcripts); c.1393C>T, p.Arg465Cys (NM_001323986.2); c.37C>T, p.Arg13Cys (NM_001324006.1, NM_001324007.1, NM_001324008.1 and 2 more transcripts); c.283C>T, p.Arg95Cys (NM_001324011.1); c.133C>T, p.Arg45Cys (NM_001324012.1, NM_001324013.1); short protein forms R126C, R13C, R393C, R45C, R95C, R465C, R496C, R373C.
Identifiers: ClinVar variation 661257 (VCV000661257.16), dbSNP rs754789006, ClinGen allele CA3431960.
Genomic context (GRCh38, chr5:138,917,838, plus strand): 5'-CAGAGTAAACTGGCCCAAGAGAACATGGATCTTTTTAAAGAACAATGGGAAAAACAAGTC[C>T]GTGTTCTCACAGATGCTGTCGATGACATTACTTCCATTGATGACTTCTTGGCTGTCTCAG-3'
Protein context (NP_001894.2, residues 486-506): LFKEQWEKQV[Arg496Cys]VLTDAVDDIT

ClinVar aggregate classification (germline): Uncertain significance. Review status: criteria provided, multiple submitters, no conflicts (2 of 4 stars). 5 submissions from 5 submitters: Uncertain significance (5). Last evaluated 2026-02-03.

Conditions:
Hereditary cancer-predisposing syndrome. Also called: Neoplastic Syndromes, Hereditary; Tumor predisposition; Hereditary neoplastic syndrome; Hereditary Cancer Syndrome. Identifiers: Orphanet 140162, MedGen C0027672, MeSH D009386, MONDO:0015356.
Patterned macular dystrophy 2. Identifiers: Orphanet 99001, MedGen C1837029, MONDO:0012162, OMIM 608970.

Allele frequency attached by ClinVar (database versions not stated): gnomAD exomes below 0.00001 and 0.00001; ExAC 0.00001; gnomAD 0.00002 and 0.00003; TOPMed 0.00004.
gnomAD v4.1: 12 of 1,614,032 alleles (0.00074%); highest among the groups gnomAD compares: African/African-American, 0.0053%; no homozygotes.

Submissions (5):

Labcorp Genetics (formerly Invitae), Labcorp
Classification: Uncertain significance. Last evaluated: 2026-02-03. Review status: criteria provided, single submitter. Criteria: Invitae Variant Classification Sherloc (09022015). Collection method: clinical testing. Allele origin: germline.
Comment: This sequence change replaces arginine, which is basic and polar, with cysteine, which is neutral and slightly polar, at codon 496 of the CTNNA1 protein (p.Arg496Cys). This variant is present in population databases (rs754789006, gnomAD 0.008%). This variant has not been reported in the literature in individuals affected with CTNNA1-related conditions. ClinVar contains an entry for this variant (Variation ID: 661257). Invitae Evidence Modeling of protein sequence and biophysical properties (such as structural, functional, and spatial information, amino acid conservation, physicochemical variation, residue mobility, and thermodynamic stability) indicates that this missense variant is not expected to disrupt CTNNA1 protein function with a negative predictive value of 80%. In summary, the available evidence is currently insufficient to determine the role of this variant in disease. Therefore, it has been classified as a Variant of Uncertain Significance.

Ambry Genetics
Classification: Uncertain significance for Hereditary cancer-predisposing syndrome. Last evaluated: 2024-12-26. Review status: criteria provided, single submitter. Criteria: Ambry Variant Classification Scheme 2023. Collection method: clinical testing. Allele origin: germline.
Comment: The p.R496C variant (also known as c.1486C>T), located in coding exon 10 of the CTNNA1 gene, results from a C to T substitution at nucleotide position 1486. The arginine at codon 496 is replaced by cysteine, an amino acid with highly dissimilar properties. This amino acid position is highly conserved in available vertebrate species. In addition, the in silico prediction for this alteration is inconclusive. The evidence for this gene-disease relationship is limited; therefore, the clinical significance of this alteration is unclear.

Fulgent Genetics
Classification: Uncertain significance for Patterned macular dystrophy 2. Last evaluated: 2024-05-16. Review status: criteria provided, single submitter. Criteria: ACMG Guidelines, 2015. Collection method: clinical testing. Allele origin: germline.

GeneDx
Classification: Uncertain significance. Last evaluated: 2024-03-12. Review status: criteria provided, single submitter. Criteria: GeneDx Variant Classification Process June 2021. Collection method: clinical testing. Allele origin: germline. Affected: yes.
Comment: In silico analysis supports that this missense variant has a deleterious effect on protein structure/function; This variant is associated with the following publications: (PMID: 32051609)

Baylor Genetics
Classification: Uncertain significance for Patterned macular dystrophy 2. Last evaluated: 2023-12-08. Review status: criteria provided, single submitter. Criteria: ACMG Guidelines, 2015. Collection method: clinical testing. Allele origin: unknown.